The following is an entry in ClinVar:

NC_000013.11:g.(?_32325076)_(32326613_?)del

Gene: BRCA2 (BRCA2 DNA repair associated; plus strand). Cytogenetic location: 13q13.1.
Variant type: Deletion.
Identifiers: ClinVar variation 417471 (VCV000417471.1).

ClinVar aggregate classification (germline): Uncertain significance (1 of 4 stars; one submission).

Conditions:
Hereditary breast ovarian cancer syndrome. Also called: Breast and ovarian cancer; Hereditary breast and ovarian cancer; Hereditary breast and/or ovarian cancer syndrome; BRCA1- and BRCA2-Associated Hereditary Breast and Ovarian Cancer; Hereditary breast and ovarian cancer syndrome (HBOC); Hereditary breast and ovarian cancer syndrome. Identifiers: Orphanet 145, MedGen C0677776, MeSH D061325, MONDO:0003582. Disease mechanism: loss of function.

Submission:

Labcorp Genetics (formerly Invitae), Labcorp
Classification: Uncertain significance for Hereditary breast ovarian cancer syndrome. Last evaluated: 2016-10-14. Review status: criteria provided, single submitter. Criteria: Invitae Variant Classification Sherloc (09022015). Collection method: clinical testing. Allele origin: germline.
Comment: This variant is a gross deletion of the genomic region encompassing exons 4-7 of the BRCA2 gene. This leads to an in-frame deletion of 105 amino acids, but preserves the integrity of the reading frame. This variant has not been reported in the literature in individuals with a BRCA2-related disease. However, a deletion of exons 6-7, which is also in-frame, has been reported in an individual with ovarian cancer (PMID: 21324516). Experimental studies have shown that a naturally-occurring BRCA2 alternative transcript that lacks exons 4-7 has been detected in cells from healthy individuals (PMID: 21719596). Although residues in exon 7 of BRCA2 are phosphorylated during the cell cycle, and cells expressing a BRCA2 protein that lacks exons 4-7 have a slightly perturbed cell cycle profile after exposure to DNA damaging agents, these cells exhibit a normal DNA damage response and have normal survival. Additionally, mice that express only this variant BRCA2 protein have no increased cancer susceptibility (PMID: 12815053, 21719596, 26920070). In summary, this variant is a rare in-frame deletion that recapitulates a naturally-occurring minor alternative transcript in BRCA2. Although experimental evidence suggests that loss of these exons does not have a deleterious effect on protein function, the clinical significance of these findings is currently unknown. Therefore, it has been classified as a Variant of Uncertain Significance.